The following is an entry in ClinVar:

ClinVar aggregate classification (germline): Likely benign (1 of 4 stars; one submission).

gnomAD v4.1: 359 of 1,614,066 alleles (0.022%); highest among the groups gnomAD compares: Middle Eastern, 0.33%; 1 homozygote.

Submission:

CeGaT Center for Human Genetics Tuebingen
Classification: Likely benign. Last evaluated: 2025-12-01. Review status: criteria provided, single submitter. Criteria: CeGaT Center For Human Genetics Tuebingen Variant Classification Criteria Version 2. Collection method: clinical testing. Allele origin: germline. Affected: yes. Observed: 2 variant alleles.
Comment: ANKLE2: BP4, BP7

NM_015114.3(ANKLE2):c.1683C>A (p.Gly561=)

Gene: ANKLE2 (ankyrin repeat and LEM domain containing 2; minus strand). Cytogenetic location: 12q24.33.
Variant type: single nucleotide variant.
Coding change: c.1683C>A on transcript NM_015114.3 (MANE Select); coding-DNA position 1683, C replaced by A.
Protein change: p.Gly561=; no amino-acid change (glycine 561 retained).
Molecular consequence: synonymous variant.
Genome position (GRCh38, 1-based): chr12:132,735,423, G>T on the plus strand (C>A on the coding strand, the complement: ANKLE2 is on the minus strand). VCF-style: chr12-132735423-G-T. GRCh37 (hg19) VCF-style: chr12-133312009-G-T.
Identifiers: ClinVar variation 4533646 (VCV004533646.6).